The following is an entry in ClinVar:

ClinVar aggregate classification (germline): Uncertain significance (1 of 4 stars; one submission).

Submission:

GeneDx
Classification: Uncertain significance. Last evaluated: 2024-07-02. Review status: criteria provided, single submitter. Criteria: GeneDx Variant Classification Process June 2021. Collection method: clinical testing. Allele origin: germline. Affected: yes.
Comment: Not observed at significant frequency in large population cohorts (gnomAD); In silico analysis indicates that this missense variant does not alter protein structure/function; Has not been previously published as pathogenic or benign to our knowledge

NM_015001.3(SPEN):c.3122G>A (p.Arg1041Lys)

Gene: SPEN (spen family transcriptional repressor; plus strand). Cytogenetic location: 1p36.13.
Variant type: single nucleotide variant.
Coding change: c.3122G>A on transcript NM_015001.3 (MANE Select); coding-DNA position 3122, G replaced by A.
Protein change: p.Arg1041Lys; replaces arginine 1041 with lysine.
Molecular consequence: missense variant.
Genome position (GRCh38, 1-based): chr1:15,929,362, G>A. VCF-style: chr1-15929362-G-A. GRCh37 (hg19) VCF-style: chr1-16255857-G-A.
Other names: short protein forms R1041K.
Identifiers: ClinVar variation 3393842 (VCV003393842.1).